The following is an entry in ClinVar:

NM_024334.3(TMEM43):c.908G>A (p.Ser303Asn)

Gene: TMEM43 (transmembrane protein 43; plus strand). Cytogenetic location: 3p25.1.
Variant type: single nucleotide variant.
Coding change: c.908G>A on transcript NM_024334.3 (MANE Select); coding-DNA position 908, G replaced by A.
Protein change: p.Ser303Asn; replaces serine 303 with asparagine.
Molecular consequence: missense variant.
Genome position (GRCh38, 1-based): chr3:14,139,205, G>A. VCF-style: chr3-14139205-G-A. GRCh37 (hg19) VCF-style: chr3-14180705-G-A.
Other names: c.911G>A, p.Ser304Asn (NM_001407274.1); c.905G>A, p.Ser302Asn (NM_001407275.1, NM_001407276.1); c.902G>A, p.Ser301Asn (NM_001407277.1); c.893G>A, p.Ser298Asn (NM_001407278.1); c.833G>A, p.Ser278Asn (NM_001407279.1); c.758G>A, p.Ser253Asn (NM_001407280.1); short protein forms S301N, S303N, S304N, S298N, S302N, S253N, S278N.
Identifiers: ClinVar variation 1765740 (VCV001765740.7), dbSNP rs775607324, ClinGen allele CA69733935.

ClinVar aggregate classification (germline): Uncertain significance. Review status: criteria provided, multiple submitters, no conflicts (2 of 4 stars). 2 submissions from 2 submitters: Uncertain significance (2). Last evaluated 2022-06-10.

Conditions:
Cardiovascular phenotype. Identifiers: MedGen CN230736.
Arrhythmogenic right ventricular dysplasia 5. Also called: Arrhythmogenic Right Ventricular Dysplasia/Cardiomyopathy 5; ARRHYTHMOGENIC RIGHT VENTRICULAR DYSPLASIA, FAMILIAL, 5. Identifiers: MedGen C1858379, MONDO:0011459, OMIM 604400.

Submissions (2):

Labcorp Genetics (formerly Invitae), Labcorp
Classification: Uncertain significance for Arrhythmogenic right ventricular dysplasia 5. Last evaluated: 2022-06-10. Review status: criteria provided, single submitter. Criteria: Invitae Variant Classification Sherloc (09022015). Collection method: clinical testing. Allele origin: germline.
Comment: Algorithms developed to predict the effect of missense changes on protein structure and function (SIFT, PolyPhen-2, Align-GVGD) all suggest that this variant is likely to be tolerated. This variant is not present in population databases (gnomAD no frequency). This variant has not been reported in the literature in individuals affected with TMEM43-related conditions. In summary, the available evidence is currently insufficient to determine the role of this variant in disease. Therefore, it has been classified as a Variant of Uncertain Significance. This sequence change replaces serine, which is neutral and polar, with asparagine, which is neutral and polar, at codon 303 of the TMEM43 protein (p.Ser303Asn).

Ambry Genetics
Classification: Uncertain significance for Cardiovascular phenotype. Last evaluated: 2022-02-11. Review status: criteria provided, single submitter. Criteria: Ambry Variant Classification Scheme 2023. Collection method: clinical testing. Allele origin: germline.
Comment: The p.S303N variant (also known as c.908G>A), located in coding exon 11 of the TMEM43 gene, results from a G to A substitution at nucleotide position 908. The serine at codon 303 is replaced by asparagine, an amino acid with highly similar properties. This amino acid position is conserved. In addition, this alteration is predicted to be tolerated by in silico analysis. Since supporting evidence is limited at this time, the clinical significance of this alteration remains unclear.